The following is an entry in ClinVar:

ClinVar aggregate classification (germline): Uncertain significance. Review status: criteria provided, multiple submitters, no conflicts (2 of 4 stars). 7 submissions from 7 submitters: Uncertain significance (7). Last evaluated 2026-01-11.

Conditions:
Inborn genetic diseases. Identifiers: MedGen C0950123, MeSH D030342.
CRTAP-related disorder. Also called: CRTAP-related condition.
Osteogenesis imperfecta (OI). Identifiers: Orphanet 666, MedGen C0029434, MeSH D010013, MONDO:0019019.
Osteogenesis imperfecta type 7 (OI7). Also called: OSTEOGENESIS IMPERFECTA, TYPE IIB; Osteogenesis imperfecta type 2B; OI type 2B; Osteogenesis imperfecta, perinatal lethal autosomal recessive; OI type IIB; OI type 7. Identifiers: MedGen C1853162, MONDO:0012536, OMIM 610682.

Allele frequency attached by ClinVar (database versions not stated): gnomAD exomes 0.00009 and 0.00014; gnomAD 0.00012 and 0.00013; ExAC 0.00013; TOPMed 0.00015; 1000 Genomes Project 0.00020; 1000 Genomes Project 30x 0.00047.
gnomAD v4.1: 218 of 1,611,150 alleles (0.014%); highest among the groups gnomAD compares: Non-Finnish European, 0.016%; no homozygotes.

Submissions (7):

PreventionGenetics, part of Exact Sciences
Classification: Uncertain significance for CRTAP-related condition. Last evaluated: 2026-01-11. Review status: criteria provided, single submitter. Criteria: ACMG Guidelines, 2015. Collection method: clinical testing. Allele origin: germline.
Comment: The CRTAP c.583G>A variant is predicted to result in the amino acid substitution p.Glu195Lys. To our knowledge, this variant has not been reported in the literature. This variant is reported in 0.016% of alleles in individuals of African descent in gnomAD. At this time, the clinical significance of this variant is uncertain due to the absence of conclusive functional and genetic evidence.

Ambry Genetics
Classification: Uncertain significance for Inborn genetic diseases. Last evaluated: 2025-08-01. Review status: criteria provided, single submitter. Criteria: Ambry Variant Classification Scheme 2023. Collection method: clinical testing. Allele origin: germline.

Labcorp Genetics (formerly Invitae), Labcorp
Classification: Uncertain significance for Osteogenesis imperfecta type 7. Last evaluated: 2022-09-01. Review status: criteria provided, single submitter. Criteria: Invitae Variant Classification Sherloc (09022015). Collection method: clinical testing. Allele origin: germline.
Comment: This sequence change replaces glutamic acid, which is acidic and polar, with lysine, which is basic and polar, at codon 195 of the CRTAP protein (p.Glu195Lys). This variant is present in population databases (rs201267683, gnomAD 0.02%). This variant has not been reported in the literature in individuals affected with CRTAP-related conditions. ClinVar contains an entry for this variant (Variation ID: 344808). Algorithms developed to predict the effect of missense changes on protein structure and function are either unavailable or do not agree on the potential impact of this missense change (SIFT: "Deleterious"; PolyPhen-2: "Benign"; Align-GVGD: "Class C0"). In summary, the available evidence is currently insufficient to determine the role of this variant in disease. Therefore, it has been classified as a Variant of Uncertain Significance.

Fulgent Genetics
Classification: Uncertain significance for Osteogenesis imperfecta type 7. Last evaluated: 2022-03-17. Review status: criteria provided, single submitter. Criteria: ACMG Guidelines, 2015. Collection method: clinical testing. Allele origin: unknown.

Genome Diagnostics Laboratory, The Hospital for Sick Children
Classification: Uncertain significance for Osteogenesis imperfecta. Last evaluated: 2021-11-16. Review status: criteria provided, single submitter. Criteria: ACMG Guidelines, 2015. Collection method: clinical testing. Allele origin: germline.

Illumina Laboratory Services, Illumina
Classification: Uncertain significance for Osteogenesis imperfecta type 7. Last evaluated: 2018-01-12. Review status: criteria provided, single submitter. Criteria: ICSL Variant Classification Criteria 13 December 2019. Collection method: clinical testing. Allele origin: germline.

GeneDx
Classification: Uncertain significance. Last evaluated: 2017-01-23. Review status: criteria provided, single submitter. Criteria: GeneDx Variant Classification (06012015). Collection method: clinical testing. Allele origin: germline. Affected: yes.
Comment: The E195K variant in the CRTAP gene has not been reported previously as a pathogenic variant, nor as a benign variant, to our knowledge. The E195K variant was not observed in approximately 6,500 individuals of European and African American ancestry in the NHLBI Exome Sequencing Project, indicating it is not a common benign variant in these populations. The E195K variant is a non-conservative amino acid substitution, which is likely to impact secondary protein structure as these residues differ in polarity, charge, size and/or other properties. This substitution occurs at a position where amino acids with similar properties to Glutamic acid are tolerated across species. In silico analysis is inconsistent in its predictions as to whether or not the variant is damaging to the protein structure/function. We interpret E195K as a variant of uncertain significance.

NM_006371.5(CRTAP):c.583G>A (p.Glu195Lys)

Gene: CRTAP (cartilage associated protein; plus strand). Cytogenetic location: 3p22.3.
Variant type: single nucleotide variant.
Coding change: c.583G>A on transcript NM_006371.5 (MANE Select); coding-DNA position 583, G replaced by A.
Protein change: p.Glu195Lys; replaces glutamic acid 195 with lysine.
Molecular consequence: missense variant. On other transcripts: intron variant (1).
Genome position (GRCh38, 1-based): chr3:33,120,455, G>A. VCF-style: chr3-33120455-G-A. GRCh37 (hg19) VCF-style: chr3-33161947-G-A.
Other names: c.583G>A, p.Glu195Lys (NM_001393363.1, NM_001393364.1); c.472-3953G>A (NM_001393365.1); short protein forms E195K.
Identifiers: ClinVar variation 344808 (VCV000344808.16), dbSNP rs201267683, ClinGen allele CA2300318.